The following is an entry in ClinVar:

NM_145725.3(TRAF3):c.563C>A (p.Ala188Glu)

Gene: TRAF3 (TNF receptor associated factor 3; plus strand). Cytogenetic location: 14q32.32.
Variant type: single nucleotide variant.
Coding change: c.563C>A on transcript NM_145725.3 (MANE Select); coding-DNA position 563, C replaced by A.
Protein change: p.Ala188Glu; replaces alanine 188 with glutamic acid.
Molecular consequence: missense variant.
Genome position (GRCh38, 1-based): chr14:102,876,518, C>A. VCF-style: chr14-102876518-C-A. GRCh37 (hg19) VCF-style: chr14-103342855-C-A.
Other names: c.563C>A, p.Ala188Glu (NM_001199427.2, NM_001385142.1, NM_001385143.1 and 2 more transcripts); short protein forms A188E.
Identifiers: ClinVar variation 1018009 (VCV001018009.9), dbSNP rs763088249, ClinGen allele CA391070896.

ClinVar aggregate classification (germline): Uncertain significance (1 of 4 stars; one submission).

Conditions:
Immunodeficiency 132A. Also called: Herpes simplex encephalitis, susceptibility to, 3. Identifiers: Orphanet 1930, MedGen C3553868, MONDO:0013920, OMIM 614849.

Submission:

Labcorp Genetics (formerly Invitae), Labcorp
Classification: Uncertain significance for Immunodeficiency 132A. Last evaluated: 2021-03-08. Review status: criteria provided, single submitter. Criteria: Invitae Variant Classification Sherloc (09022015). Collection method: clinical testing. Allele origin: germline.
Comment: Algorithms developed to predict the effect of missense changes on protein structure and function (SIFT, PolyPhen-2, Align-GVGD) all suggest that this variant is likely to be tolerated, but these predictions have not been confirmed by published functional studies and their clinical significance is uncertain. In summary, the available evidence is currently insufficient to determine the role of this variant in disease. Therefore, it has been classified as a Variant of Uncertain Significance. This variant has not been reported in the literature in individuals with TRAF3-related conditions. This sequence change replaces alanine with glutamic acid at codon 188 of the TRAF3 protein (p.Ala188Glu). The alanine residue is weakly conserved and there is a moderate physicochemical difference between alanine and glutamic acid. This variant is not present in population databases (ExAC no frequency).